The following is an entry in ClinVar:

ClinVar aggregate classification (germline): Conflicting classifications of pathogenicity. Review status: criteria provided, conflicting classifications (1 of 4 stars). 3 submissions from 3 submitters: Uncertain significance (1); Benign (1); Likely benign (1). Last evaluated 2025-11-10.

Conditions:
Hereditary cancer-predisposing syndrome. Also called: Neoplastic Syndromes, Hereditary; Hereditary neoplastic syndrome; Hereditary Cancer Syndrome; Tumor predisposition. Identifiers: Orphanet 140162, MedGen C0027672, MeSH D009386, MONDO:0015356.
Pancreatic cancer, susceptibility to, 3. Identifiers: Orphanet 1333, MedGen C3150547, MONDO:0013236, OMIM 613348.
Familial cancer of breast. Also called: Hereditary breast cancer; BREAST CANCER, FAMILIAL; hereditary breast carcinoma. Identifiers: Orphanet 227535, MedGen C0346153, MONDO:0016419, OMIM 114480. Disease mechanism: loss of function.

Submissions (3):

Ambry Genetics
Classification: Likely benign for Hereditary cancer-predisposing syndrome. Last evaluated: 2025-11-10. Review status: criteria provided, single submitter. Criteria: Ambry Variant Classification Scheme 2023. Collection method: clinical testing. Allele origin: germline.

Myriad Genetics, Inc.
Classification: Benign for Familial cancer of breast. Last evaluated: 2025-01-09. Review status: criteria provided, single submitter. Criteria: Myriad Autosomal Dominant, Autosomal Recessive and X-Linked Classification Criteria (2023). Collection method: clinical testing. Allele origin: unknown.
Comment: This variant is considered benign. This variant is a silent/synonymous amino acid change and it is not expected to impact splicing.

Laboratorio de Genetica e Diagnostico Molecular, Hospital Israelita Albert Einstein
Classification: Uncertain significance for Pancreatic cancer, susceptibility to, 3. Last evaluated: 2022-12-02. Review status: criteria provided, single submitter. Criteria: ACMG Guidelines, 2015. Collection method: clinical testing. Allele origin: germline. Affected: yes. Observed: 1 variant allele.
Comment: ACMG classification criteria: PM2 moderated

NM_024675.4(PALB2):c.27C>T (p.Leu9=)

Gene: PALB2 (partner and localizer of BRCA2; minus strand). Cytogenetic location: 16p12.2.
Variant type: single nucleotide variant.
Coding change: c.27C>T on transcript NM_024675.4 (MANE Select); coding-DNA position 27, C replaced by T.
Protein change: p.Leu9=; no amino-acid change (leucine 9 retained).
Molecular consequence: synonymous variant. On other transcripts: 5 prime UTR variant (10).
Genome position (GRCh38, 1-based): chr16:23,641,131, G>A on the plus strand (C>T on the coding strand, the complement: PALB2 is on the minus strand). VCF-style: chr16-23641131-G-A. GRCh37 (hg19) VCF-style: chr16-23652452-G-A.
Other names: c.27C>T, p.Leu9= (NM_001407296.1, NM_001407297.1, NM_001407298.1 and 5 more transcripts); c.-1717C>T (NM_001407304.1, NM_001407310.1); c.-993C>T (NM_001407305.1, NM_001407307.1, NM_001407309.1 and 1 more transcripts); c.-842C>T (NM_001407306.1, NM_001407308.1); c.-126C>T (NM_001407312.1, NM_001407313.1).
Identifiers: ClinVar variation 2431652 (VCV002431652.3), dbSNP rs749298208, ClinGen allele CA494168470.